The following is an entry in ClinVar:

NM_080680.3(COL11A2):c.4580C>T (p.Ala1527Val)

Gene: COL11A2 (collagen type XI alpha 2 chain; minus strand). Cytogenetic location: 6p21.32.
Variant type: single nucleotide variant.
Coding change: c.4580C>T on transcript NM_080680.3 (MANE Select); coding-DNA position 4580, C replaced by T.
Protein change: p.Ala1527Val; replaces alanine 1527 with valine.
Molecular consequence: missense variant.
Genome position (GRCh38, 1-based): chr6:33,165,719, G>A on the plus strand (C>T on the coding strand, the complement: COL11A2 is on the minus strand). VCF-style: chr6-33165719-G-A. GRCh37 (hg19) VCF-style: chr6-33133496-G-A.
Other names: c.4259C>T, p.Ala1420Val (NM_080679.3); c.4322C>T, p.Ala1441Val (NM_080681.3); short protein forms A1441V, A1527V, A1420V.
Identifiers: ClinVar variation 1438408 (VCV001438408.6), dbSNP rs1769028634, ClinGen allele CA363618883.

ClinVar aggregate classification (germline): Uncertain significance (1 of 4 stars; one submission).

Allele frequency attached by ClinVar (database versions not stated): TOPMed 0.00001.

Submission:

Labcorp Genetics (formerly Invitae), Labcorp
Classification: Uncertain significance. Last evaluated: 2024-10-22. Review status: criteria provided, single submitter. Criteria: Invitae Variant Classification Sherloc (09022015). Collection method: clinical testing. Allele origin: germline.
Comment: This sequence change replaces alanine, which is neutral and non-polar, with valine, which is neutral and non-polar, at codon 1527 of the COL11A2 protein (p.Ala1527Val). This variant is not present in population databases (gnomAD no frequency). This variant has not been reported in the literature in individuals affected with COL11A2-related conditions. ClinVar contains an entry for this variant (Variation ID: 1438408). Invitae Evidence Modeling of protein sequence and biophysical properties (such as structural, functional, and spatial information, amino acid conservation, physicochemical variation, residue mobility, and thermodynamic stability) indicates that this missense variant is not expected to disrupt COL11A2 protein function with a negative predictive value of 95%. In summary, the available evidence is currently insufficient to determine the role of this variant in disease. Therefore, it has been classified as a Variant of Uncertain Significance.